The following is an entry in ClinVar:

ClinVar aggregate classification (germline): Uncertain significance. Review status: criteria provided, multiple submitters, no conflicts (2 of 4 stars). 2 submissions from 2 submitters: Uncertain significance (2). Last evaluated 2025-11-22.

Conditions:
Cardiovascular phenotype. Identifiers: MedGen CN230736.

Allele frequency attached by ClinVar (database versions not stated): gnomAD exomes below 0.00001; ExAC 0.00001; gnomAD 0.00001; TOPMed 0.00002.
gnomAD v4.1: 1 of 1,608,510 alleles (0.000062%); highest among the groups gnomAD compares: African/African-American, 0.0013%; no homozygotes.

Submissions (2):

Ambry Genetics
Classification: Uncertain significance for Cardiovascular phenotype. Last evaluated: 2025-11-22. Review status: criteria provided, single submitter. Criteria: Ambry Variant Classification Scheme 2023. Collection method: clinical testing. Allele origin: germline.
Comment: The p.V1278I variant (also known as c.3832G>A), located in coding exon 6 of the ALPK3 gene, results from a G to A substitution at nucleotide position 3832. The valine at codon 1278 is replaced by isoleucine, an amino acid with highly similar properties. This amino acid position is highly conserved in available vertebrate species. In addition, this alteration is predicted to be tolerated by in silico analysis. Since supporting evidence is limited at this time, the clinical significance of this alteration remains unclear.

Labcorp Genetics (formerly Invitae), Labcorp
Classification: Uncertain significance. Last evaluated: 2024-10-26. Review status: criteria provided, single submitter. Criteria: Invitae Variant Classification Sherloc (09022015). Collection method: clinical testing. Allele origin: germline.
Comment: This sequence change replaces valine, which is neutral and non-polar, with isoleucine, which is neutral and non-polar, at codon 1278 of the ALPK3 protein (p.Val1278Ile). The frequency data for this variant in the population databases is considered unreliable, as metrics indicate poor data quality at this position in the gnomAD database. This variant has not been reported in the literature in individuals affected with ALPK3-related conditions. ClinVar contains an entry for this variant (Variation ID: 1504888). Invitae Evidence Modeling of protein sequence and biophysical properties (such as structural, functional, and spatial information, amino acid conservation, physicochemical variation, residue mobility, and thermodynamic stability) indicates that this missense variant is expected to disrupt ALPK3 protein function with a positive predictive value of 80%. In summary, the available evidence is currently insufficient to determine the role of this variant in disease. Therefore, it has been classified as a Variant of Uncertain Significance.

NM_020778.5(ALPK3):c.3226G>A (p.Val1076Ile)

Gene: ALPK3 (alpha kinase 3; plus strand). Cytogenetic location: 15q25.3.
Variant type: single nucleotide variant.
Coding change: c.3226G>A on transcript NM_020778.5 (MANE Select); coding-DNA position 3226, G replaced by A.
Protein change: p.Val1076Ile; replaces valine 1076 with isoleucine.
Molecular consequence: missense variant.
Genome position (GRCh38, 1-based): chr15:84,857,964, G>A. VCF-style: chr15-84857964-G-A. GRCh37 (hg19) VCF-style: chr15-85401195-G-A.
Other names: short protein forms V1076I.
Identifiers: ClinVar variation 1504888 (VCV001504888.9), dbSNP rs751943226, ClinGen allele CA7709581.